The following is an entry in ClinVar:

ClinVar aggregate classification (germline): Uncertain significance (1 of 4 stars; one submission).

Conditions:
Predisposition to Wilms tumor.

Submission:

St. Jude Molecular Pathology, St. Jude Children's Research Hospital
Classification: Uncertain significance for Predisposition to Wilms tumor. Last evaluated: 2026-10-01. Review status: criteria provided, single submitter. Criteria: St. Jude Assertion Criteria 2020. Collection method: clinical testing. Allele origin: germline.
Comment: The NYNRIN c.1789G>T p.(Ala597S er) missense change is absent in gnomAD v2.1.1. The in silico tool REVEL predicts a benign effect on protein function, but to our knowledge this prediction has not been confirmed by functional studies. To our knowledge , this variant has not been reported in the literature in individuals with Wilms tumor. In summary, the evidence currently available is insufficient to determine the clinical significance of this variant. It has therefore been classified as of uncertain significance (VUS-Low).

NM_025081.3(NYNRIN):c.1789G>T (p.Ala597Ser)

Gene: NYNRIN (NYN domain and retroviral integrase containing; plus strand). Cytogenetic location: 14q12.
Variant type: single nucleotide variant.
Coding change: c.1789G>T on transcript NM_025081.3 (MANE Select); coding-DNA position 1789, G replaced by T.
Protein change: p.Ala597Ser; replaces alanine 597 with serine.
Molecular consequence: missense variant.
Genome position (GRCh38, 1-based): chr14:24,409,583, G>T. VCF-style: chr14-24409583-G-T. GRCh37 (hg19) VCF-style: chr14-24878789-G-T.
Other names: short protein forms A597S.
Identifiers: ClinVar variation 5038348 (VCV005038348.1).